The following is an entry in ClinVar:

ClinVar aggregate classification (germline): Benign/Likely benign. Review status: criteria provided, multiple submitters, no conflicts (2 of 4 stars). 4 submissions from 4 submitters: Benign (1); Likely benign (2). 1 of the submissions does not count toward it. Last evaluated 2026-04-01.

Conditions:
CWF19L1-related disorder. Also called: CWF19L1-related condition.

Allele frequency attached by ClinVar (database versions not stated): ESP Exome Variant Server 0.00015; gnomAD 0.00024 and 0.00031; TOPMed 0.00036; ExAC 0.00045; 1000 Genomes Project 30x 0.00047; 1000 Genomes Project 0.00060.
gnomAD v4.1: 762 of 1,614,036 alleles (0.047%); highest among the groups gnomAD compares: East Asian, 0.76%; 2 homozygotes.

Submissions (4):

CeGaT Center for Human Genetics Tuebingen
Classification: Likely benign. Last evaluated: 2026-04-01. Review status: criteria provided, single submitter. Criteria: CeGaT Center For Human Genetics Tuebingen Variant Classification Criteria Version 2. Collection method: clinical testing. Allele origin: germline. Affected: yes. Observed: 1 variant allele.
Comment: CWF19L1: BP4, BP7

Blueprint Genetics
Classification: Likely benign. Last evaluated: 2024-10-07. Review status: criteria provided, single submitter. Criteria: ACMG Guidelines, 2015. Collection method: clinical testing. Allele origin: germline.

Labcorp Genetics (formerly Invitae), Labcorp
Classification: Benign. Last evaluated: 2019-12-31. Review status: criteria provided, single submitter. Criteria: Invitae Variant Classification Sherloc (09022015). Collection method: clinical testing. Allele origin: germline.

PreventionGenetics, part of Exact Sciences
Classification: Likely benign for CWF19L1-related condition. Last evaluated: 2019-07-04. Review status: no assertion criteria provided. Collection method: clinical testing. Allele origin: germline. Not counted in ClinVar's aggregate classification.
Comment: This variant is classified as likely benign based on ACMG/AMP sequence variant interpretation guidelines (Richards et al. 2015 PMID: 25741868, with internal and published modifications).

NM_018294.6(CWF19L1):c.375T>C (p.Gly125=)

Gene: CWF19L1 (CWF19 like cell cycle control factor 1; minus strand). Cytogenetic location: 10q24.31.
Variant type: single nucleotide variant.
Coding change: c.375T>C on transcript NM_018294.6 (MANE Select); coding-DNA position 375, T replaced by C.
Protein change: p.Gly125=; no amino-acid change (glycine 125 retained).
Molecular consequence: synonymous variant. On other transcripts: 5 prime UTR variant (2), intron variant (1).
Genome position (GRCh38, 1-based): chr10:100,256,391, A>G on the plus strand (T>C on the coding strand, the complement: CWF19L1 is on the minus strand). VCF-style: chr10-100256391-A-G. GRCh37 (hg19) VCF-style: chr10-102016148-A-G.
Other names: c.375T>C, p.Gly125= (NM_001303404.2); c.-37T>C (NM_001303405.2, NM_001303406.2); c.-231-2852T>C (NM_001303407.2).
Identifiers: ClinVar variation 719079 (VCV000719079.9), dbSNP rs17112805, ClinGen allele CA5647183.